The following is an entry in ClinVar:

NM_000039.3(APOA1):c.130G>T (p.Asp44Tyr)

Genes: APOA1 (apolipoprotein A1; minus strand), APOA1-AS (APOA1 antisense RNA; plus strand). Cytogenetic location: 11q23.3.
Variant type: single nucleotide variant.
Coding change: c.130G>T on transcript NM_000039.3 (MANE Select); coding-DNA position 130, G replaced by T.
Protein change: p.Asp44Tyr; replaces aspartic acid 44 with tyrosine.
Molecular consequence: missense variant. On other transcripts: 5 prime UTR variant (2), intron variant (1).
Genome position (GRCh38, 1-based): chr11:116,837,071, C>A on the plus strand (G>T on the coding strand, the complement: APOA1 is on the minus strand). VCF-style: chr11-116837071-C-A. GRCh37 (hg19) VCF-style: chr11-116707787-C-A.
Other names: c.130G>T, p.Asp44Tyr (NM_001318017.2, NM_001318018.2, NM_001425090.1 and 1 more transcripts); c.-198G>T (NM_001318021.2, NM_001425092.1); c.-128+274G>T (NM_001425091.1); short protein forms D44Y.
Identifiers: ClinVar variation 3767253 (VCV003767253.2).

ClinVar aggregate classification (germline): Pathogenic (0 of 4 stars; one submission).

Conditions:
Familial amyloid polyneuropathy, Iowa type (AMYLD3). Also called: AMYLOIDOSIS, HEREDITARY SYSTEMIC 3; AMYLOIDOSIS, IOWA TYPE; AMYLOIDOSIS, VAN ALLEN TYPE; AMYLOIDOSIS, TYPE III; AMYLOIDOSIS, TYPE IV; Familial amyloid polyneuropathy type III. Identifiers: MedGen C4551500, MONDO:0971008, OMIM 620657.

Submission:

Amyloidosis Center, Boston University School of Medicine
Classification: Pathogenic for Familial amyloid polyneuropathy, Iowa type. Review status: no assertion criteria provided. Collection method: clinical testing. Allele origin: unknown. Inheritance: Autosomal dominant inheritance. Affected: yes. Observed: 1 heterozygote.
Comment: Amyloid deposits contained full-length apoA-I featuring a novel p.D44Y (D20Y) mutation identified by gene sequencing and protein mass spectrometry. Genetic analysis of two asymptomatic family members revealed autosomal dominant inheritance. Fibril formation by the full-length variant apoA-I rather than its fragments and the location of the mutation in a conserved amyloid-prone N-terminal segment were highly unusual for hereditary AApoA-I amyloidosis.